The following is an entry in ClinVar:

ClinVar aggregate classification (germline): Pathogenic/Likely pathogenic. Review status: criteria provided, multiple submitters, no conflicts (2 of 4 stars). 2 submissions from 2 submitters: Pathogenic (1); Likely pathogenic (1). Last evaluated 2024-08-09.

Conditions:
Cohen syndrome (COH1). Also called: PEPPER SYNDROME; Cutis verticis gyrata, retinitis pigmentosa, and sensorineural deafness. Identifiers: Orphanet 193, MedGen C0265223, MONDO:0008999, OMIM 216550.

Submissions (2):

Labcorp Genetics (formerly Invitae), Labcorp
Classification: Pathogenic for Cohen syndrome. Last evaluated: 2024-08-09. Review status: criteria provided, single submitter. Criteria: Invitae Variant Classification Sherloc (09022015). Collection method: clinical testing. Allele origin: germline.
Comment: This sequence change creates a premature translational stop signal (p.Glu48Asnfs*4) in the VPS13B gene. It is expected to result in an absent or disrupted protein product. Loss-of-function variants in VPS13B are known to be pathogenic (PMID: 15141358, 16648375, 20461111). This variant is not present in population databases (gnomAD no frequency). This variant has not been reported in the literature in individuals affected with VPS13B-related conditions. For these reasons, this variant has been classified as Pathogenic.

Natera, Inc.
Classification: Likely pathogenic for Cohen syndrome. Last evaluated: 2024-06-11. Review status: criteria provided, single submitter. Criteria: Natera Variant Classification Schema (03/2026). Collection method: clinical testing. Allele origin: germline.
Comment: The c.142del variant in VPS13B is a frameshift variant predicted to shift the reading frame beginning at codon 48 and leads to a stop codon 4 codons downstream. This variant is expected to result in nonsense mediated decay, truncation, or a dysfunctional protein product. This variant is rare in the general population with a frequency below the threshold expected for the associated phenotype(s). Given the available evidence, this variant is classified as Likely Pathogenic.

Literature cited by the submitters: PubMed 15141358 (cited by Labcorp Genetics (formerly Invitae), Labcorp); PubMed 16648375 (cited by Labcorp Genetics (formerly Invitae), Labcorp); PubMed 20461111 (cited by Labcorp Genetics (formerly Invitae), Labcorp).

NM_152564.5(VPS13B):c.142del (p.Glu48fs)

Gene: VPS13B (vacuolar protein sorting 13 homolog B; plus strand). Cytogenetic location: 8q22.2.
Variant type: Deletion.
Coding change: c.142del on transcript NM_152564.5 (MANE Select); coding-DNA position 142, one base deleted (G; older notation c.142delG).
Protein change: p.Glu48fs; shifts the reading frame from glutamic acid 48.
Molecular consequence: frameshift variant. On other transcripts: non-coding transcript variant (1).
Genome position (GRCh38, 1-based): chr8:99,013,930, G deleted; the last of 2 consecutive G bases (chr8:99,013,929-99,013,930); deleting either gives the same sequence. VCF-style (leftmost placement, unchanged base first): chr8-99013928-TG-T. GRCh37 (hg19) VCF-style: chr8-100026156-TG-T.
Other names: c.142del (NM_017890.4); c.142del, p.Glu48fs (NM_015243.3, NM_017890.5, NM_181661.3); c.142delG, p.Glu48Asnfs (NM_017890.4); short protein forms E48fs.
Identifiers: ClinVar variation 3713403 (VCV003713403.3).